The following is an entry in ClinVar:

NM_000248.4(MITF):c.31C>T (p.Gln11Ter)

Gene: MITF (melanocyte inducing transcription factor; plus strand). Cytogenetic location: 3p13.
Variant type: single nucleotide variant.
Coding change: c.31C>T on transcript NM_000248.4 (MANE Plus Clinical); coding-DNA position 31, C replaced by T.
Protein change: p.Gln11Ter; replaces glutamine 11 with a stop codon.
Molecular consequence: nonsense. On other transcripts: intron variant (9).
Genome position (GRCh38, 1-based): chr3:69,936,753, C>T. VCF-style: chr3-69936753-C-T. GRCh37 (hg19) VCF-style: chr3-69985904-C-T.
Other names: c.31C>T, p.Gln11Ter (NM_001184968.2, NM_198158.3, NM_198178.3); c.304-1069C>T (NM_001354607.2); c.199-1069C>T (NM_001354608.2, NM_001184967.2); c.355-1069C>T (NM_001354604.2, NM_198159.3); c.352-1069C>T (NM_001354605.2, NM_001354606.2, NM_006722.3); c.307-1069C>T (NM_198177.3); short protein forms Q11*.
Identifiers: ClinVar variation 2921913 (VCV002921913.6), dbSNP rs2471579611, ClinGen allele CA353560226.

ClinVar aggregate classification (germline): Conflicting classifications of pathogenicity. Review status: criteria provided, conflicting classifications (1 of 4 stars). 4 submissions from 4 submitters: Pathogenic (1); Likely pathogenic (2); Uncertain significance (1). Last evaluated 2026-08-06.

Conditions:
Tietz syndrome (TADS). Also called: ALBINISM-DEAFNESS OF TIETZ; HYPOPIGMENTATION/DEAFNESS OF TIETZ; TIETZ ALBINISM-DEAFNESS SYNDROME. Identifiers: Orphanet 42665, MedGen C0391816, MONDO:0007077, OMIM 103500.
Waardenburg syndrome type 2A (WS2A). Also called: WAARDENBURG SYNDROME WITHOUT DYSTOPIA CANTHORUM. Identifiers: Orphanet 3440, MedGen C1860339, MONDO:0008671, OMIM 193510.
Melanoma, cutaneous malignant, susceptibility to, 8. Also called: MELANOMA AND RENAL CELL CARCINOMA, SUSCEPTIBILITY TO; Cutaneous malignant melanoma 8. Identifiers: Orphanet 293822, MedGen C3152204, MONDO:0013759, OMIM 614456.
MITF-related disorder. Also called: MITF-related condition.

Submissions (4):

OLLIN Analises Genomicas, OLLIN
Classification: Likely pathogenic for Waardenburg syndrome type 2A. Last evaluated: 2026-08-06. Review status: criteria provided, single submitter. Criteria: ACMG Guidelines 2015 PMID 25741868. Collection method: clinical testing. Allele origin: germline. Inheritance: Autosomal recessive inheritance.
Comment: This variant is absent from gnomAD and has not been identified in the literature. However, it has been reported in ClinVar (accession VCV002921913.4). According to the currently available evidence, this variant has been classified as likely pathogenic (PVS1, PM2_P).

Institute of Rare Diseases, West China Hospital, Sichuan University
Classification: Likely pathogenic for Waardenburg syndrome type 2A. Last evaluated: 2025-01-09. Review status: criteria provided, single submitter. Criteria: ClinGen HL ACMG Specifications v1. Collection method: research. Allele origin: germline. Affected: yes.
Comment: PVS1;PM2_Supporting

Labcorp Genetics (formerly Invitae), Labcorp
Classification: Uncertain significance for Melanoma, cutaneous malignant, susceptibility to, 8; Waardenburg syndrome type 2A; Tietz syndrome. Last evaluated: 2024-01-03. Review status: criteria provided, single submitter. Criteria: Invitae Variant Classification Sherloc (09022015). Collection method: clinical testing. Allele origin: germline.
Comment: This sequence change creates a premature translational stop signal (p.Gln11*) in the MITF gene. However, it is currently unclear if variants that occur in this region of the gene cause disease. This variant is not present in population databases (gnomAD no frequency). This variant has not been reported in the literature in individuals affected with MITF-related conditions. In summary, the available evidence is currently insufficient to determine the role of this variant in disease. Therefore, it has been classified as a Variant of Uncertain Significance.

Blueprint Genetics
Classification: Pathogenic for MITF-related disorders. Last evaluated: 2022-09-09. Review status: criteria provided, single submitter. Criteria: ACMG Guidelines, 2015. Collection method: clinical testing. Allele origin: germline. Affected: yes. Observed: 5 variant alleles.